The following is an entry in ClinVar:

ClinVar aggregate classification (germline): Uncertain significance (1 of 4 stars; one submission).

Conditions:
Inborn genetic diseases. Identifiers: MedGen C0950123, MeSH D030342.

Submission:

Ambry Genetics
Classification: Uncertain significance for Inborn genetic diseases. Last evaluated: 2022-04-26. Review status: criteria provided, single submitter. Criteria: Ambry Variant Classification Scheme 2023. Collection method: clinical testing. Allele origin: germline.
Comment: The p.L944V variant (also known as c.2830C>G), located in coding exon 18 of the INF2 gene, results from a C to G substitution at nucleotide position 2830. The leucine at codon 944 is replaced by valine, an amino acid with highly similar properties. This amino acid position is conserved. In addition, this alteration is predicted to be tolerated by in silico analysis. Since supporting evidence is limited at this time, the clinical significance of this alteration remains unclear.

NM_022489.4(INF2):c.2830C>G (p.Leu944Val)

Gene: INF2 (inverted formin 2; plus strand). Cytogenetic location: 14q32.33.
Variant type: single nucleotide variant.
Coding change: c.2830C>G on transcript NM_022489.4 (MANE Select); coding-DNA position 2830, C replaced by G.
Protein change: p.Leu944Val; replaces leucine 944 with valine.
Molecular consequence: missense variant.
Genome position (GRCh38, 1-based): chr14:104,713,261, C>G. VCF-style: chr14-104713261-C-G. GRCh37 (hg19) VCF-style: chr14-105179598-C-G.
Other names: c.2830C>G, p.Leu944Val (NM_001031714.4); short protein forms L944V.
Identifiers: ClinVar variation 1796586 (VCV001796586.2), dbSNP rs1169747492, ClinGen allele CA391222735.
Genomic context (GRCh38, chr14:104,713,261, plus strand): 5'-GTGCAGGAGAACAAGGACCGGAAGGAGCAGGCGGCGAAGGCAGAGAGGAGGAAGCAGCAG[C>G]TGGCGGAGGAGGAGGCGCGGCGGCCTCGGGGAGAGGACGGGAAGCCTGGTGAGGCTGGGC-3'
Protein context (NP_071934.3, residues 934-954): AAKAERRKQQ[Leu944Val]AEEEARRPRG